The following is an entry in ClinVar:

NM_001379110.1(SLC9A6):c.1765G>A (p.Glu589Lys)

Gene: SLC9A6 (solute carrier family 9 member A6; plus strand). Cytogenetic location: Xq26.3.
Variant type: single nucleotide variant.
Coding change: c.1765G>A on transcript NM_001379110.1 (MANE Select); coding-DNA position 1765, G replaced by A.
Protein change: p.Glu589Lys; replaces glutamic acid 589 with lysine.
Molecular consequence: missense variant.
Genome position (GRCh38, 1-based): chrX:136,040,179, G>A. VCF-style: chrX-136040179-G-A. GRCh37 (hg19) VCF-style: chrX-135122338-G-A.
Other names: NM_001379110.1(SLC9A6):c.1765G>A; p.Glu589Lys; c.1831G>A, p.Glu611Lys (NM_001042537.2); c.1675G>A, p.Glu559Lys (NM_001177651.2); c.1579G>A, p.Glu527Lys (NM_001330652.2); c.1735G>A, p.Glu579Lys (NM_006359.3); c.1735G>A (NM_006359.2); short protein forms E527K, E559K, E579K, E589K, E611K.
Identifiers: ClinVar variation 1006408 (VCV001006408.13), dbSNP rs1556622379, ClinGen allele CA414756279.

ClinVar aggregate classification (germline): Uncertain significance. Review status: reviewed by expert panel (3 of 4 stars). 4 submissions from 4 submitters: Uncertain significance (1). 3 of the submissions do not count toward it. Last evaluated 2026-08-24.

Conditions:
Christianson syndrome (MRXSCH). Also called: X-linked mental retardation, syndromic, Christianson type; SLC9A6-Related Syndromic Mental Retardation; INTELLECTUAL DEVELOPMENTAL DISORDER, X-LINKED, SYNDROMIC, CHRISTIANSON TYPE. Identifiers: Orphanet 85278, MedGen C2678194, MONDO:0010278, OMIM 300243.

Allele frequency attached by ClinVar (database versions not stated): gnomAD exomes below 0.00001 and 0.00001.
gnomAD v4.1: 4 of 1,192,244 alleles (0.00034%); highest among the groups gnomAD compares: Non-Finnish European, 0.00045%; no homozygotes.

Submissions (4):

ClinGen Rett and Angelman-like Disorders Variant Curation Expert Panel
Classification: Uncertain significance for Christianson syndrome. Last evaluated: 2026-08-24. Review status: reviewed by expert panel. Criteria: ClinGen RettAS ACMG Specifications SLC9A6 V6.0. Collection method: curation. Allele origin: germline. Inheritance: X-linked inheritance.
Comment: The highest population minor allele frequency of the p.Glu589Lys variant in SLC9A6 in gnomAD v4.1 is 0.000004549 in the European (non-Finnish) population (not sufficient to meet BS1 criteria). The p.Glu589Lys variant in SLC9A6 has been reported in an individual with a neurodevelopmental phenotype (PMID 29275387) (PP4 not met). The computational predictor REVEL gives a score of 0.173, which is below the threshold of 0.290, evidence that does not predict a damaging effect on SLC9A6 function (BP4). In summary, the p.Glu589Lys variant in SLC9A6 is classified as a Variant of Uncertain Significance based on the ACMG/AMP criteria (BP4). (SLC9A6 Specifications v6.0; curation approved on 8/24/2026)

GeneDx
Classification: Uncertain significance. Last evaluated: 2025-08-29. Review status: criteria provided, single submitter. Criteria: GeneDx Variant Classification Process June 2021. Collection method: clinical testing. Allele origin: germline. Not counted in ClinVar's aggregate classification.
Comment: In silico analysis suggests that this missense variant does not alter protein structure/function; This variant is associated with the following publications: (PMID: 29275387, 40722028)

Labcorp Genetics (formerly Invitae), Labcorp
Classification: Uncertain significance for Christianson syndrome. Last evaluated: 2023-11-24. Review status: criteria provided, single submitter. Criteria: Invitae Variant Classification Sherloc (09022015). Collection method: clinical testing. Allele origin: germline. Not counted in ClinVar's aggregate classification.
Comment: This sequence change replaces glutamic acid, which is acidic and polar, with lysine, which is basic and polar, at codon 579 of the SLC9A6 protein (p.Glu579Lys). The frequency data for this variant in the population databases is considered unreliable, as metrics indicate poor data quality at this position in the gnomAD database. This missense change has been observed in individual(s) with clinical features of an SLC9A6-related condition (PMID: 29275387). This variant is also known as c.1675G>A (p.Glu579Lys). ClinVar contains an entry for this variant (Variation ID: 1006408). An algorithm developed to predict the effect of missense changes on protein structure and function (PolyPhen-2) suggests that this variant is likely to be disruptive. In summary, the available evidence is currently insufficient to determine the role of this variant in disease. Therefore, it has been classified as a Variant of Uncertain Significance.

Revvity Omics, Revvity
Classification: Uncertain significance for Christianson syndrome. Last evaluated: 2021-05-09. Review status: criteria provided, single submitter. Criteria: ACMG Guidelines, 2015. Collection method: clinical testing. Allele origin: germline. Not counted in ClinVar's aggregate classification.

Literature cited by the submitters: PubMed 29275387 (cited by Labcorp Genetics (formerly Invitae), Labcorp).